The following is an entry in ClinVar:

NM_000089.4(COL1A2):c.1422C>T (p.Asp474=)

Gene: COL1A2 (collagen type I alpha 2 chain; plus strand). Cytogenetic location: 7q21.3.
Variant type: single nucleotide variant.
Coding change: c.1422C>T on transcript NM_000089.4 (MANE Select); coding-DNA position 1422, C replaced by T.
Protein change: p.Asp474=; no amino-acid change (aspartic acid 474 retained).
Molecular consequence: synonymous variant.
Genome position (GRCh38, 1-based): chr7:94,412,601, C>T. VCF-style: chr7-94412601-C-T. GRCh37 (hg19) VCF-style: chr7-94041913-C-T.
Other names: p.Asp474=.
Identifiers: ClinVar variation 510687 (VCV000510687.15), dbSNP rs766360064, ClinGen allele CA4347055.

ClinVar aggregate classification (germline): Likely benign. Review status: criteria provided, multiple submitters, no conflicts (2 of 4 stars). 5 submissions from 5 submitters: Likely benign (5). Last evaluated 2025-09-24.

Conditions:
Ehlers-Danlos syndrome, classic type, 1 (EDSCL1). Also called: EHLERS-DANLOS SYNDROME, GRAVIS TYPE; EHLERS-DANLOS SYNDROME, SEVERE CLASSIC TYPE; EDS I; Ehlers-Danlos Syndrome, Classic Type, COL5A1-Related; Ehlers-Danlos syndrome, type 1. Identifiers: MedGen C0268335, MONDO:0019567, OMIM 130000.
Osteogenesis imperfecta type I (OI1). Also called: OI, TYPE I; OSTEOGENESIS IMPERFECTA TARDA; OSTEOGENESIS IMPERFECTA WITH BLUE SCLERAE; Classic Non-deforming Osteogenesis Imperfecta with Blue Sclerae; Lobstein disease; Osteogenesis imperfecta type 1. Identifiers: Orphanet 216796, Orphanet 666, MedGen C0023931, MONDO:0008146, OMIM 166200. Disease mechanism: loss of function.
Cardiovascular phenotype. Identifiers: MedGen CN230736.

Allele frequency attached by ClinVar (database versions not stated): gnomAD 0.00003; TOPMed 0.00007.
gnomAD v4.1: 20 of 1,613,768 alleles (0.0012%); highest among the groups gnomAD compares: African/African-American, 0.013%; no homozygotes.

Submissions (5):

Mayo Clinic Laboratories, Mayo Clinic
Classification: Likely benign. Last evaluated: 2025-09-24. Review status: criteria provided, single submitter. Criteria: ACMG Guidelines, 2015. Collection method: clinical testing. Allele origin: germline. Observed: 1 variant allele.
Comment: BS1, BP4, BP7

Women's Health and Genetics/Laboratory Corporation of America, LabCorp
Classification: Likely benign. Last evaluated: 2024-12-06. Review status: criteria provided, single submitter. Criteria: LabCorp Variant Classification Summary - May 2015. Collection method: clinical testing. Allele origin: germline.

Ambry Genetics
Classification: Likely benign for Cardiovascular phenotype. Last evaluated: 2021-06-25. Review status: criteria provided, single submitter. Criteria: Ambry Variant Classification Scheme 2023. Collection method: clinical testing. Allele origin: germline.

Labcorp Genetics (formerly Invitae), Labcorp
Classification: Likely benign for Osteogenesis imperfecta type I; Ehlers-Danlos syndrome, classic type, 1. Last evaluated: 2021-03-08. Review status: criteria provided, single submitter. Criteria: Invitae Variant Classification Sherloc (09022015). Collection method: clinical testing. Allele origin: germline.

GeneDx
Classification: Likely benign. Last evaluated: 2019-01-03. Review status: criteria provided, single submitter. Criteria: GeneDx Variant Classification Process June 2021. Collection method: clinical testing. Allele origin: germline. Affected: yes.